The following is an entry in ClinVar:

NM_001387430.1(SH2B1):c.285G>C (p.Leu95=)

Gene: SH2B1 (SH2B adaptor protein 1; plus strand). Cytogenetic location: 16p11.2.
Variant type: single nucleotide variant.
Coding change: c.285G>C on transcript NM_001387430.1 (MANE Select); coding-DNA position 285, G replaced by C.
Protein change: p.Leu95=; no amino-acid change (leucine 95 retained).
Molecular consequence: synonymous variant. On other transcripts: intron variant (1).
Genome position (GRCh38, 1-based): chr16:28,866,379, G>C. VCF-style: chr16-28866379-G-C. GRCh37 (hg19) VCF-style: chr16-28877700-G-C.
Other names: c.285G>C, p.Leu95= (NM_001145795.2, NM_001145796.2, NM_001145797.2 and 4 more transcripts); c.-26-995G>C (NM_001308294.2); c.285G>C (NM_001145795.1).
Identifiers: ClinVar variation 1989675 (VCV001989675.6), dbSNP rs762374544, ClinGen allele CA7985891.

ClinVar aggregate classification (germline): Likely benign. Review status: criteria provided, single submitter (1 of 4 stars). 2 submissions from 2 submitters: Likely benign (1). 1 of the submissions does not count toward it. Last evaluated 2022-09-14.

Conditions:
SH2B1-related disorder. Also called: SH2B1-related condition.

Allele frequency attached by ClinVar (database versions not stated): gnomAD 0.00001; gnomAD exomes 0.00001; TOPMed 0.00001; ExAC 0.00002.
gnomAD v4.1: 13 of 1,613,478 alleles (0.00081%); highest among the groups gnomAD compares: Non-Finnish European, 0.001%; no homozygotes.

Submissions (2):

Labcorp Genetics (formerly Invitae), Labcorp
Classification: Likely benign. Last evaluated: 2022-09-14. Review status: criteria provided, single submitter. Criteria: Invitae Variant Classification Sherloc (09022015). Collection method: clinical testing. Allele origin: germline.

PreventionGenetics, part of Exact Sciences
Classification: Likely benign for SH2B1-related condition. Last evaluated: 2024-02-20. Review status: no assertion criteria provided. Collection method: clinical testing. Allele origin: germline. Not counted in ClinVar's aggregate classification.
Comment: This variant is classified as likely benign based on ACMG/AMP sequence variant interpretation guidelines (Richards et al. 2015 PMID: 25741868, with internal and published modifications).